The following is an entry in ClinVar:

ClinVar aggregate classification (germline): Uncertain significance (1 of 4 stars; one submission).

Allele frequency attached by ClinVar (database versions not stated): TOPMed below 0.00001; gnomAD 0.00001.
gnomAD v4.1: 4 of 1,395,156 alleles (0.00029%); highest among the groups gnomAD compares: Non-Finnish European, 0.00028%; no homozygotes.

Submission:

Labcorp Genetics (formerly Invitae), Labcorp
Classification: Uncertain significance. Last evaluated: 2022-11-22. Review status: criteria provided, single submitter. Criteria: Invitae Variant Classification Sherloc (09022015). Collection method: clinical testing. Allele origin: germline.
Comment: Algorithms developed to predict the effect of missense changes on protein structure and function are either unavailable or do not agree on the potential impact of this missense change (SIFT: "Deleterious"; PolyPhen-2: "Benign"; Align-GVGD: "Class C0"). In summary, the available evidence is currently insufficient to determine the role of this variant in disease. Therefore, it has been classified as a Variant of Uncertain Significance. ClinVar contains an entry for this variant (Variation ID: 1493567). This variant has not been reported in the literature in individuals affected with SPEG-related conditions. This variant is not present in population databases (gnomAD no frequency). This sequence change replaces glycine, which is neutral and non-polar, with alanine, which is neutral and non-polar, at codon 678 of the SPEG protein (p.Gly678Ala).

NM_005876.5(SPEG):c.2033G>C (p.Gly678Ala)

Gene: SPEG (striated muscle enriched protein kinase; plus strand). Cytogenetic location: 2q35.
Variant type: single nucleotide variant.
Coding change: c.2033G>C on transcript NM_005876.5 (MANE Select); coding-DNA position 2033, G replaced by C.
Protein change: p.Gly678Ala; replaces glycine 678 with alanine.
Molecular consequence: missense variant.
Genome position (GRCh38, 1-based): chr2:219,449,191, G>C. VCF-style: chr2-219449191-G-C. GRCh37 (hg19) VCF-style: chr2-220313913-G-C.
Other names: short protein forms G678A.
Identifiers: ClinVar variation 1493567 (VCV001493567.6), dbSNP rs1315249299, ClinGen allele CA350726141.
Genomic context (GRCh38, chr2:219,449,191, plus strand): 5'-AGAAGAACAGGGCGGGGCCTGAGGCAGAGAAGAGGCTTCGCAGAGGGCCGGAGGAGGACG[G>C]TCCCTGGGGGCCCTGGGACCGCCGAGGGGCCCGCAGCCAGGGCAAAGGTCGCCGGGCCCG-3'
Protein context (NP_005867.3, residues 668-688): KRLRRGPEED[Gly678Ala]PWGPWDRRGA